The following is an entry in ClinVar:

NM_018713.3(SLC30A10):c.581G>A (p.Arg194Gln)

Gene: SLC30A10 (solute carrier family 30 member 10; minus strand). Cytogenetic location: 1q41.
Variant type: single nucleotide variant.
Coding change: c.581G>A on transcript NM_018713.3 (MANE Select); coding-DNA position 581, G replaced by A.
Protein change: p.Arg194Gln; replaces arginine 194 with glutamine.
Molecular consequence: missense variant. On other transcripts: non-coding transcript variant (1), intron variant (1).
Genome position (GRCh38, 1-based): chr1:219,927,860, C>T on the plus strand (G>A on the coding strand, the complement: SLC30A10 is on the minus strand). VCF-style: chr1-219927860-C-T. GRCh37 (hg19) VCF-style: chr1-220101202-C-T.
Other names: c.452-755G>A (NM_001376929.1); short protein forms R194Q.
Identifiers: ClinVar variation 1521917 (VCV001521917.6), dbSNP rs1193990191, ClinGen allele CA344733344.

ClinVar aggregate classification (germline): Uncertain significance (1 of 4 stars; one submission).

gnomAD v4.1: 4 of 1,545,984 alleles (0.00026%); highest among the groups gnomAD compares: Non-Finnish European, 0.00026%; no homozygotes.

Submission:

Labcorp Genetics (formerly Invitae), Labcorp
Classification: Uncertain significance. Last evaluated: 2021-09-03. Review status: criteria provided, single submitter. Criteria: Invitae Variant Classification Sherloc (09022015). Collection method: clinical testing. Allele origin: germline.
Comment: In summary, the available evidence is currently insufficient to determine the role of this variant in disease. Therefore, it has been classified as a Variant of Uncertain Significance. Algorithms developed to predict the effect of sequence changes on RNA splicing suggest that this variant may create or strengthen a splice site. Algorithms developed to predict the effect of missense changes on protein structure and function (SIFT, PolyPhen-2, Align-GVGD) all suggest that this variant is likely to be tolerated. This variant has not been reported in the literature in individuals affected with SLC30A10-related conditions. This variant is not present in population databases (ExAC no frequency). This sequence change replaces arginine with glutamine at codon 194 of the SLC30A10 protein (p.Arg194Gln). The arginine residue is weakly conserved and there is a small physicochemical difference between arginine and glutamine.